The following is an entry in ClinVar:

ClinVar aggregate classification (germline): Uncertain significance (1 of 4 stars; one submission).

Conditions:
Proteosome-associated autoinflammatory syndrome. Also called: Proteasome-associated autoinflammatory syndrome. Identifiers: Orphanet 324977, MedGen C1850568, MONDO:0009726.

Allele frequency attached by ClinVar (database versions not stated): ExAC 0.00001; gnomAD 0.00001; gnomAD exomes 0.00001; TOPMed 0.00002.
gnomAD v4.1: 4 of 1,613,038 alleles (0.00025%); highest among the groups gnomAD compares: East Asian, 0.0067%; no homozygotes.

Submission:

Labcorp Genetics (formerly Invitae), Labcorp
Classification: Uncertain significance for Proteosome-associated autoinflammatory syndrome. Last evaluated: 2023-12-06. Review status: criteria provided, single submitter. Criteria: Invitae Variant Classification Sherloc (09022015). Collection method: clinical testing. Allele origin: germline.
Comment: This sequence change replaces alanine, which is neutral and non-polar, with threonine, which is neutral and polar, at codon 151 of the PSMB8 protein (p.Ala151Thr). This variant is present in population databases (rs749800130, gnomAD 0.02%). This variant has not been reported in the literature in individuals affected with PSMB8-related conditions. ClinVar contains an entry for this variant (Variation ID: 842792). Advanced modeling of protein sequence and biophysical properties (such as structural, functional, and spatial information, amino acid conservation, physicochemical variation, residue mobility, and thermodynamic stability) performed at Invitae indicates that this missense variant is not expected to disrupt PSMB8 protein function with a negative predictive value of 80%. In summary, the available evidence is currently insufficient to determine the role of this variant in disease. Therefore, it has been classified as a Variant of Uncertain Significance.

NM_148919.4(PSMB8):c.451G>A (p.Ala151Thr)

Gene: PSMB8 (proteasome 20S subunit beta 8; minus strand). Cytogenetic location: 6p21.32.
Variant type: single nucleotide variant.
Coding change: c.451G>A on transcript NM_148919.4 (MANE Select); coding-DNA position 451, G replaced by A.
Protein change: p.Ala151Thr; replaces alanine 151 with threonine.
Molecular consequence: missense variant.
Genome position (GRCh38, 1-based): chr6:32,842,220, C>T on the plus strand (G>A on the coding strand, the complement: PSMB8 is on the minus strand). VCF-style: chr6-32842220-C-T. GRCh37 (hg19) VCF-style: chr6-32809997-C-T.
Other names: c.439G>A, p.Ala147Thr (NM_004159.5); short protein forms A151T, A147T.
Identifiers: ClinVar variation 842792 (VCV000842792.9), dbSNP rs749800130, ClinGen allele CA3746372.